The following is an entry in ClinVar:

ClinVar aggregate classification (germline): Uncertain significance (1 of 4 stars; one submission).

Conditions:
Hereditary insensitivity to pain with anhidrosis (CIPA). Also called: FAMILIAL DYSAUTONOMIA, TYPE II; hereditary sensory and autonomic neuropathy type 4; INSENSITIVITY TO PAIN, CONGENITAL, WITH ANHIDROSIS; HSAN Type IV; NTRK1 Congenital Insensitivity to Pain with Anhidrosis; NEUROPATHY, CONGENITAL SENSORY, WITH ANHIDROSIS. Identifiers: Orphanet 642, MedGen C0020074, MONDO:0009746, OMIM 256800.

Allele frequency attached by ClinVar (database versions not stated): gnomAD exomes 0.00001; gnomAD 0.00002; TOPMed 0.00005.
gnomAD v4.1: 24 of 1,613,688 alleles (0.0015%); highest among the groups gnomAD compares: Middle Eastern, 0.082%; no homozygotes.

Submission:

Labcorp Genetics (formerly Invitae), Labcorp
Classification: Uncertain significance for Hereditary insensitivity to pain with anhidrosis. Last evaluated: 2021-09-07. Review status: criteria provided, single submitter. Criteria: Invitae Variant Classification Sherloc (09022015). Collection method: clinical testing. Allele origin: germline.
Comment: This sequence change replaces arginine with tryptophan at codon 116 of the NTRK1 protein (p.Arg116Trp). The arginine residue is moderately conserved and there is a moderate physicochemical difference between arginine and tryptophan. This variant is not present in population databases (ExAC no frequency). This variant has not been reported in the literature in individuals affected with NTRK1-related conditions. Algorithms developed to predict the effect of missense changes on protein structure and function are either unavailable or do not agree on the potential impact of this missense change (SIFT: "Deleterious"; PolyPhen-2: "Possibly Damaging"; Align-GVGD: "Class C0"). In summary, the available evidence is currently insufficient to determine the role of this variant in disease. Therefore, it has been classified as a Variant of Uncertain Significance.

NM_002529.4(NTRK1):c.346C>T (p.Arg116Trp)

Gene: NTRK1 (neurotrophic receptor tyrosine kinase 1; plus strand). Cytogenetic location: 1q23.1.
Variant type: single nucleotide variant.
Coding change: c.346C>T on transcript NM_002529.4 (MANE Select); coding-DNA position 346, C replaced by T.
Protein change: p.Arg116Trp; replaces arginine 116 with tryptophan.
Molecular consequence: missense variant.
Genome position (GRCh38, 1-based): chr1:156,864,786, C>T. VCF-style: chr1-156864786-C-T. GRCh37 (hg19) VCF-style: chr1-156834578-C-T.
Other names: c.346C>T, p.Arg116Trp (NM_001007204.1, NM_001012331.2); c.256C>T, p.Arg86Trp (NM_001007792.1); short protein forms R116W, R86W.
Identifiers: ClinVar variation 1932992 (VCV001932992.2), dbSNP rs943975141, ClinGen allele CA31104749.
Genomic context (GRCh38, chr1:156,864,786, plus strand): 5'-AGCACCATCGTGAAGAGTGGTCTCCGTTTCGTGGCGCCAGATGCCTTCCATTTCACTCCT[C>T]GGCTCAGTCGCCTGTGAGTGTGGCCAGTGCTGGGCAGTGGGAGTTGGGGAGGACACCCAG-3'
Protein context (NP_002520.2, residues 106-126): VAPDAFHFTP[Arg116Trp]LSRLNLSFNA